The following is an entry in ClinVar:

ClinVar aggregate classification (germline): Uncertain significance (1 of 4 stars; one submission).

Allele frequency attached by ClinVar (database versions not stated): gnomAD exomes below 0.00001.
gnomAD v4.1: 6 of 1,563,106 alleles (0.00038%); highest among the groups gnomAD compares: South Asian, 0.0012%; no homozygotes.

Submission:

Labcorp Genetics (formerly Invitae), Labcorp
Classification: Uncertain significance. Last evaluated: 2021-04-28. Review status: criteria provided, single submitter. Criteria: Invitae Variant Classification Sherloc (09022015). Collection method: clinical testing. Allele origin: germline.
Comment: In summary, the available evidence is currently insufficient to determine the role of this variant in disease. Therefore, it has been classified as a Variant of Uncertain Significance. Algorithms developed to predict the effect of missense changes on protein structure and function are either unavailable or do not agree on the potential impact of this missense change (SIFT: "Tolerated"; PolyPhen-2: "Possibly Damaging"; Align-GVGD: "Class C0"). This variant has not been reported in the literature in individuals with SPEG-related conditions. This variant is not present in population databases (ExAC no frequency). This sequence change replaces serine with leucine at codon 874 of the SPEG protein (p.Ser874Leu). The serine residue is highly conserved and there is a large physicochemical difference between serine and leucine.

NM_005876.5(SPEG):c.2621C>T (p.Ser874Leu)

Gene: SPEG (striated muscle enriched protein kinase; plus strand). Cytogenetic location: 2q35.
Variant type: single nucleotide variant.
Coding change: c.2621C>T on transcript NM_005876.5 (MANE Select); coding-DNA position 2621, C replaced by T.
Protein change: p.Ser874Leu; replaces serine 874 with leucine.
Molecular consequence: missense variant.
Genome position (GRCh38, 1-based): chr2:219,462,302, C>T. VCF-style: chr2-219462302-C-T. GRCh37 (hg19) VCF-style: chr2-220327024-C-T.
Other names: c.74C>T, p.Ser25Leu (NM_001173476.2); short protein forms S25L, S874L.
Identifiers: ClinVar variation 1349698 (VCV001349698.6), dbSNP rs2125404930, ClinGen allele CA350737631.